The following is an entry in ClinVar:

NM_005900.3(SMAD1):c.1203G>A (p.Glu401=)

Gene: SMAD1 (SMAD family member 1; plus strand). Cytogenetic location: 4q31.21.
Variant type: single nucleotide variant.
Coding change: c.1203G>A on transcript NM_005900.3 (MANE Select); coding-DNA position 1203, G replaced by A.
Protein change: p.Glu401=; no amino-acid change (glutamic acid 401 retained).
Molecular consequence: synonymous variant.
Genome position (GRCh38, 1-based): chr4:145,553,989, G>A. VCF-style: chr4-145553989-G-A. GRCh37 (hg19) VCF-style: chr4-146475141-G-A.
Other names: c.1203G>A, p.Glu401= (NM_001003688.1, NM_001354811.1, NM_001354812.1 and 4 more transcripts).
Identifiers: ClinVar variation 3030375 (VCV003030375.2), dbSNP rs146090192, ClinGen allele CA3095023.

ClinVar aggregate classification (germline): Likely benign (0 of 4 stars; one submission).

Conditions:
SMAD1-related disorder. Also called: SMAD1-related condition.

Allele frequency attached by ClinVar (database versions not stated): gnomAD exomes 0.00001; ExAC 0.00007; 1000 Genomes Project 30x 0.00016; gnomAD 0.00019; TOPMed 0.00019; 1000 Genomes Project 0.00020; ESP Exome Variant Server 0.00031.

Submission:

PreventionGenetics, part of Exact Sciences
Classification: Likely benign for SMAD1-related condition. Last evaluated: 2023-02-27. Review status: no assertion criteria provided. Collection method: clinical testing. Allele origin: germline.
Comment: This variant is classified as likely benign based on ACMG/AMP sequence variant interpretation guidelines (Richards et al. 2015 PMID: 25741868, with internal and published modifications).